The following is an entry in ClinVar:

NM_000548.5(TSC2):c.1839+6G>A

Gene: TSC2 (TSC complex subunit 2; plus strand). Cytogenetic location: 16p13.3.
Variant type: single nucleotide variant.
Coding change: c.1839+6G>A on transcript NM_000548.5 (MANE Select); 6 bases into the intron after coding-DNA position 1839, G replaced by A.
Molecular consequence: intron variant.
Genome position (GRCh38, 1-based): chr16:2,070,584, G>A. VCF-style: chr16-2070584-G-A. GRCh37 (hg19) VCF-style: chr16-2120585-G-A.
Other names: c.1839+6G>A (NM_001114382.3, NM_021055.3, NM_001370405.1 and 4 more transcripts); c.1728+6G>A (NM_001318827.2); c.1239+6G>A (NM_001318831.2); c.1692+6G>A (NM_001318829.2); c.1872+6G>A (NM_001318832.2).
Identifiers: ClinVar variation 49658 (VCV000049658.63), dbSNP rs45517204, ClinGen allele CA015966.
Genomic context (GRCh38, chr16:2,070,584, plus strand): 5'-GCTCCACTACAAGCACAGCTACACCCTGCCAATCGCGAGCAGCATCCGGCTGCAGGTATG[G>A]TGGCTGGGGTTGCGCAGCCAGTTCCTGGGGGCCCAGCCAGGTATCCCCGTCTCGGCAGGT-3'

ClinVar aggregate classification (germline): Conflicting classifications of pathogenicity. Review status: criteria provided, conflicting classifications (1 of 4 stars). 21 submissions from 21 submitters: Uncertain significance (1); Benign (8); Likely benign (8). 4 of the submissions do not count toward it. Last evaluated 2026-09-01.

Conditions:
Hereditary cancer-predisposing syndrome. Also called: Neoplastic Syndromes, Hereditary; Tumor predisposition; Hereditary Cancer Syndrome; Hereditary neoplastic syndrome. Identifiers: Orphanet 140162, MedGen C0027672, MeSH D009386, MONDO:0015356.
Tuberous sclerosis syndrome (TSC). Also called: Tuberous Sclerosis Complex; Tuberous sclerosis. Identifiers: Orphanet 805, MedGen C0041341, MONDO:0001734.
Tuberous sclerosis 2 (TSC2). Identifiers: Orphanet 805, MedGen C1860707, MONDO:0013199, OMIM 613254.
Intellectual disability. Also called: Intellectual functioning disability; intellectual disabilities; Intellectual developmental disorder. Identifiers: MedGen C3714756, MeSH D008607, MONDO:0001071, HP:0001249.

Allele frequency attached by ClinVar (database versions not stated): gnomAD exomes 0.00043 and 0.00100; gnomAD 0.00046; 1000 Genomes Project 30x 0.00016; 1000 Genomes Project 0.00020; ExAC 0.00042; TOPMed 0.00049; ESP Exome Variant Server 0.00069.
gnomAD v4.1: 1,517 of 1,613,002 alleles (0.094%); highest among the groups gnomAD compares: Non-Finnish European, 0.12%; no homozygotes.

Submissions (21):

CeGaT Center for Human Genetics Tuebingen
Classification: Likely benign. Last evaluated: 2026-09-01. Review status: criteria provided, single submitter. Criteria: CeGaT Center For Human Genetics Tuebingen Variant Classification Criteria Version 2. Collection method: clinical testing. Allele origin: germline. Affected: yes. Observed: 8 variant alleles.
Comment: TSC2: BP4, BS1

Labcorp Genetics (formerly Invitae), Labcorp
Classification: Benign for Tuberous sclerosis 2. Last evaluated: 2026-02-03. Review status: criteria provided, single submitter. Criteria: Invitae Variant Classification Sherloc (09022015). Collection method: clinical testing. Allele origin: germline.

Myriad Genetics, Inc.
Classification: Likely benign for Tuberous sclerosis 2. Last evaluated: 2025-05-15. Review status: criteria provided, single submitter. Criteria: Myriad Autosomal Dominant, Autosomal Recessive and X-Linked Classification Criteria (2023). Collection method: clinical testing. Allele origin: unknown.
Comment: This variant is considered likely benign. This variant is intronic and is not expected to impact mRNA splicing. This variant has been observed at a population frequency that is significantly greater than expected given the associated disease prevalence and penetrance.

Blueprint Genetics
Classification: Likely benign. Last evaluated: 2024-11-04. Review status: criteria provided, single submitter. Criteria: ACMG Guidelines, 2015. Collection method: clinical testing. Allele origin: germline.

Color Diagnostics, LLC DBA Color Health
Classification: Benign for Tuberous sclerosis syndrome. Last evaluated: 2022-09-20. Review status: criteria provided, single submitter. Criteria: ACMG Guidelines, 2015. Collection method: clinical testing. Allele origin: germline.

Genome-Nilou Lab
Classification: Benign for Tuberous sclerosis 2. Last evaluated: 2021-11-07. Review status: criteria provided, single submitter. Criteria: ACMG Guidelines, 2015. Collection method: clinical testing. Allele origin: germline. Affected: no.

Ambry Genetics
Classification: Likely benign for Hereditary cancer-predisposing syndrome. Last evaluated: 2021-10-27. Review status: criteria provided, single submitter. Criteria: Ambry Variant Classification Scheme 2023. Collection method: clinical testing. Allele origin: germline.

Department of Pathology and Laboratory Medicine, Sinai Health System
Classification: Likely benign for tuberous sclerosis. Last evaluated: 2021-10-14. Review status: criteria provided, single submitter. Criteria: ACMG Guidelines, 2015. Collection method: clinical testing. Allele origin: germline. Affected: yes.

Sema4
Classification: Benign for Hereditary cancer-predisposing syndrome. Last evaluated: 2021-01-28. Review status: criteria provided, single submitter. Criteria: Sema4 Curation Guidelines. Collection method: curation. Allele origin: germline.

Quest Diagnostics Nichols Institute San Juan Capistrano
Classification: Benign. Last evaluated: 2020-02-19. Review status: criteria provided, single submitter. Criteria: Quest Diagnostics criteria. Collection method: clinical testing. Allele origin: unknown.

Cambridge Genomics Laboratory, East Genomic Laboratory Hub, NHS Genomic Medicine Service
Classification: Benign for Intellectual disability. Last evaluated: 2019-09-03. Review status: criteria provided, single submitter. Criteria: ACGS Best Practice Guidelines for Variant Classification in Rare Disease 2020. Collection method: clinical testing. Allele origin: germline. Affected: yes. Observed: 1 variant allele.

Women's Health and Genetics/Laboratory Corporation of America, LabCorp
Classification: Benign. Last evaluated: 2018-11-23. Review status: criteria provided, single submitter. Criteria: LabCorp Variant Classification Summary - May 2015. Collection method: clinical testing. Allele origin: germline.
Comment: Variant summary: TSC2 c.1839+6G>A alters a non-conserved nucleotide located close to a canonical splice site and therefore could affect mRNA splicing, leading to a significantly altered protein sequence. 5/5 computational tools predict no significant impact on normal splicing. However, these predictions have yet to be confirmed by functional studies. The variant allele was found at a frequency of 0.00044 in 276158 control chromosomes, predominantly at a frequency of 0.0009 within the Non-Finnish European subpopulation in the gnomAD database. The observed variant frequency within Non-Finnish European control individuals in the gnomAD database is approximately 13 fold of the estimated maximal expected allele frequency for a pathogenic variant in TSC2 causing Tuberous Sclerosis Complex phenotype (6.9e-05), while the overall frequency of the variant is approximately 6 fold of the estimated maximal expected allele frequency for a pathogenic variant; these data strongly suggest that the variant is a benign polymorphism found primarily in populations of Non-Finnish European origin. To our knowledge, no occurrence of c.1839+6G>A in individuals affected with Tuberous Sclerosis Complex and no experimental evidence demonstrating its impact on protein function have been reported. Co-occurrences with other pathogenic variants have been reported (TSC2 c.2968_2971dupAGGA, p.Ile991Lysfs*16; TSC2 c.2590C>T, p.Gln864*) (LOVD (Tuberous sclerosis database)), providing supporting evidence for a benign role. Six ClinVar submissions from clinical diagnostic laboratories (evaluation after 2014) cite the variant as likely benign/benign (4x) and twice as uncertain significance. Based on the evidence outlined above, the variant was classified as benign.

Illumina Laboratory Services, Illumina
Classification: Likely benign for Tuberous sclerosis syndrome. Last evaluated: 2018-01-12. Review status: criteria provided, single submitter. Criteria: ICSL Variant Classification Criteria 13 December 2019. Collection method: clinical testing. Allele origin: germline.
Comment: This variant was observed in the ICSL laboratory as part of a predisposition screen in an ostensibly healthy population. It had not been previously curated by ICSL or reported in the Human Gene Mutation Database (HGMD: prior to June 1st, 2018), and was therefore a candidate for classification through an automated scoring system. Utilizing variant allele frequency, disease prevalence and penetrance estimates, and inheritance mode, an automated score was calculated to assess if this variant is too frequent to cause the disease. Based on the score and internal cut-off values, a variant classified as likely benign is not then subjected to further curation. The score for this variant resulted in a classification of likely benign for this disease.

Center for Pediatric Genomic Medicine, Children's Mercy Hospital and Clinics
Classification: Likely benign. Last evaluated: 2017-05-11. Review status: criteria provided, single submitter. Criteria: ACMG Guidelines, 2015. Collection method: clinical testing. Allele origin: germline.

Center for Human Genetics, Inc
Classification: Uncertain significance for Tuberous sclerosis 2. Last evaluated: 2016-11-01. Review status: criteria provided, single submitter. Criteria: ACMG Guidelines, 2015. Collection method: clinical testing. Allele origin: germline. Affected: yes.

Eurofins Ntd Llc (ga)
Classification: Likely benign. Last evaluated: 2016-06-23. Review status: criteria provided, single submitter. Criteria: EGL Classification Definitions 2015. Collection method: clinical testing. Allele origin: germline. Observed: 1 variant allele, 1 heterozygote.

GeneDx
Classification: Benign. Last evaluated: 2015-03-13. Review status: criteria provided, single submitter. Criteria: GeneDx Variant Classification (06012015). Collection method: clinical testing. Allele origin: germline. Affected: yes.
Comment: This variant is considered likely benign or benign based on one or more of the following criteria: it is a conservative change, it occurs at a poorly conserved position in the protein, it is predicted to be benign by multiple in silico algorithms, and/or has population frequency not consistent with disease.

Genetic Services Laboratory, University of Chicago
Classification: Likely benign. Last evaluated: 2022-12-19. Review status: no assertion criteria provided. Collection method: clinical testing. Allele origin: germline. Affected: no. Not counted in ClinVar's aggregate classification.

Clinical Genetics DNA and cytogenetics Diagnostics Lab, Erasmus MC, Erasmus Medical Center
Classification: Benign. Review status: no assertion criteria provided. Collection method: clinical testing. Allele origin: germline. Affected: yes. Study: VKGL Data-share Consensus. Not counted in ClinVar's aggregate classification.

Clinical Genetics, Academic Medical Center
Classification: Likely benign. Review status: no assertion criteria provided. Collection method: clinical testing. Allele origin: germline. Affected: yes. Study: VKGL Data-share Consensus. Not counted in ClinVar's aggregate classification.

Tuberous sclerosis database (TSC2)
No classification provided. Condition: TSC. Review status: no classification provided. Criteria: Tuberous Sclerosis Database Assertion Criteria 2015. Collection method: curation. Allele origin: germline. Affected: yes. Not counted in ClinVar's aggregate classification.